The following is an entry in ClinVar:

NM_022893.4(BCL11A):c.533_537del (p.Pro178fs)

Gene: BCL11A (BCL11 transcription factor A; minus strand). Cytogenetic location: 2p16.1.
Variant type: Deletion.
Coding change: c.533_537del on transcript NM_022893.4 (MANE Select); coding-DNA positions 533 to 537, 5 bases deleted (CATTC; older notation c.533_537delCATTC).
Protein change: p.Pro178fs; shifts the reading frame from proline 178.
Molecular consequence: frameshift variant. On other transcripts: non-coding transcript variant (1).
Genome position (GRCh38, 1-based): chr2:60,462,375-60,462,379, GAATG deleted on the plus strand (CATTC on the coding strand, the reverse complement: BCL11A is on the minus strand); deleting any 5 consecutive bases within chr2:60,462,375-60,462,380 gives the same sequence; the c. name uses the placement nearest the transcript's 3' end. VCF-style (leftmost placement, unchanged base first): chr2-60462374-TGAATG-T. GRCh37 (hg19) VCF-style: chr2-60689509-TGAATG-T.
Other names: c.377_381del, p.Pro126fs (NM_001405734.1, NM_001405735.1, NM_001405729.1 and 6 more transcripts); c.275_279del, p.Pro92fs (NM_001405736.1, NM_001405724.1, NM_001405717.1 and 1 more transcripts); c.533_537del, p.Pro178fs (NM_018014.4, NM_138559.2, NM_001405730.1 and 4 more transcripts); c.77_81del, p.Pro26fs (NM_001405725.1, NM_001405726.1, NM_001405727.1 and 2 more transcripts); c.431_435del, p.Pro144fs (NM_001405733.1, NM_001405719.1, NM_001363864.1 and 3 more transcripts); c.200_204del, p.Pro67fs (NM_001405720.1, NM_001405721.1); short protein forms P126fs, P144fs, P178fs, P26fs, P67fs, P92fs.
Identifiers: ClinVar variation 3767114 (VCV003767114.2).
Genomic context (GRCh38, chr2:60,462,374, plus strand): 5'-CTAAGTAGATTCTTAATCCATGAGTGTTCTGTGCGTGTTGCAAGAGAAACCATGCACTGG[TGAATG>T]GCTGTTTGCAAGTTGTACATGTGTAGCTGCTGGGCTCATCTTTACCTGCAAAATAATACA-3'

ClinVar aggregate classification (germline): Likely pathogenic (1 of 4 stars; one submission).

Conditions:
Dias-Logan syndrome. Also called: INTELLECTUAL DEVELOPMENTAL DISORDER WITH HEREDITARY PERSISTENCE OF FETAL HEMOGLOBIN; Intellectual developmental disorder with persistence of fetal hemoglobin. Identifiers: Orphanet 619233, MedGen C4310833, MONDO:0014914, OMIM 617101.

Submission:

Juno Genomics, Hangzhou Juno Genomics, Inc
Classification: Likely pathogenic for Dias-Logan syndrome. Review status: criteria provided, single submitter. Criteria: ACMG Guidelines, 2015. Collection method: clinical testing. Allele origin: germline. Affected: yes.
Comment: Absent from controls (or at extremely low frequency if recessive) in Genome Aggregation Database, Exome Sequencing Project, 1000 Genomes Project, or Exome Aggregation Consortium.;De novo (both maternity and paternity confirmed) in a patient with the disease and no family history.;Null variant in a gene where loss of function (LOF) is a known mechanism of disease.